The following is an entry in ClinVar:

ClinVar aggregate classification (germline): Conflicting classifications of pathogenicity. Review status: criteria provided, conflicting classifications (1 of 4 stars). 14 submissions from 14 submitters: Uncertain significance (1); Benign (6); Likely benign (4). 3 of the submissions do not count toward it. Last evaluated 2026-02-03.

Conditions:
Myoclonic epilepsy of Lafora 1 (MELF1). Also called: EPILEPSY, PROGRESSIVE MYOCLONIC, 2A; Epilepsy, progressive myoclonic 2A (Lafora); LAFORA DISEASE 1; EPM2A-Related Lafora Disease. Identifiers: MedGen CN377204, MONDO:0958199, OMIM 254780.
NHLRC1-related disorder. Also called: NHLRC1-related condition.
Inborn genetic diseases. Identifiers: MedGen C0950123, MeSH D030342.
Lafora disease. Also called: Epilepsy progressive myoclonic 2; Progressive Myoclonus Epilepsy, Lafora Type. Identifiers: Orphanet 501, MedGen C0751783, MONDO:0009697.
Myoclonic epilepsy of Lafora 2. Also called: LAFORA DISEASE 2; EPILEPSY, PROGRESSIVE MYOCLONIC, 2B; NHLRC1-Related Lafora Disease; Epilepsy, progressive myoclonic 2B (Lafora). Identifiers: MedGen C1850764, MONDO:0800306, OMIM 620681.

Allele frequency attached by ClinVar (database versions not stated): gnomAD 0.00176 and 0.00181; 1000 Genomes Project 0.00080; gnomAD exomes 0.00140 and 0.00230; 1000 Genomes Project 30x 0.00047; ExAC 0.00135; TOPMed 0.00189; ESP Exome Variant Server 0.00168.

Submissions (14):

Labcorp Genetics (formerly Invitae), Labcorp
Classification: Benign for Lafora disease. Last evaluated: 2026-02-03. Review status: criteria provided, single submitter. Criteria: Invitae Variant Classification Sherloc (09022015). Collection method: clinical testing. Allele origin: germline.

CeGaT Center for Human Genetics Tuebingen
Classification: Likely benign. Last evaluated: 2025-08-01. Review status: criteria provided, single submitter. Criteria: CeGaT Center For Human Genetics Tuebingen Variant Classification Criteria Version 2. Collection method: clinical testing. Allele origin: germline. Affected: yes. Observed: 7 variant alleles.
Comment: NHLRC1: BS2

ARUP Laboratories, Molecular Genetics and Genomics, ARUP Laboratories
Classification: Likely benign for Myoclonic epilepsy of Lafora 2. Last evaluated: 2025-04-16. Review status: criteria provided, single submitter. Criteria: ARUP Molecular Germline Variant Investigation Process 2024. Collection method: clinical testing. Allele origin: germline.

Mayo Clinic Laboratories, Mayo Clinic
Classification: Benign. Last evaluated: 2025-03-04. Review status: criteria provided, single submitter. Criteria: ACMG Guidelines, 2015. Collection method: clinical testing. Allele origin: germline. Observed: 9 variant alleles.
Comment: BS1, BS2, BP4

Revvity Omics, Revvity
Classification: Benign for Myoclonic epilepsy of Lafora 1. Last evaluated: 2025-01-24. Review status: criteria provided, single submitter. Criteria: ACMG Guidelines, 2015. Collection method: clinical testing. Allele origin: germline.

Blueprint Genetics
Classification: Likely benign. Last evaluated: 2024-11-06. Review status: criteria provided, single submitter. Criteria: ACMG Guidelines, 2015. Collection method: clinical testing. Allele origin: germline.

Ambry Genetics
Classification: Benign for Inborn genetic diseases. Last evaluated: 2024-02-29. Review status: criteria provided, single submitter. Criteria: Ambry Variant Classification Scheme 2023. Collection method: clinical testing. Allele origin: germline.

GeneDx
Classification: Likely benign. Last evaluated: 2021-05-11. Review status: criteria provided, single submitter. Criteria: GeneDx Variant Classification Process June 2021. Collection method: clinical testing. Allele origin: germline. Affected: yes.

Athena Diagnostics
Classification: Benign. Last evaluated: 2019-06-10. Review status: criteria provided, single submitter. Criteria: Athena Diagnostics Criteria. Collection method: clinical testing. Allele origin: germline.

Illumina Laboratory Services, Illumina
Classification: Benign for Myoclonic epilepsy of Lafora 1. Last evaluated: 2017-04-27. Review status: criteria provided, single submitter. Criteria: ICSL Variant Classification Criteria 13 December 2019. Collection method: clinical testing. Allele origin: germline.
Comment: This variant was observed as part of a predisposition screen in an ostensibly healthy population. A literature search was performed for the gene, cDNA change, and amino acid change (where applicable). No publications were found based on this search. Allele frequency data from public databases was too high to be consistent with this variant causing disease. Therefore, this variant is classified as benign.

Eurofins Ntd Llc (ga)
Classification: Uncertain significance. Last evaluated: 2014-04-03. Review status: criteria provided, single submitter. Criteria: EGL Classification Definitions 2015. Collection method: clinical testing. Allele origin: germline. Observed: 1 variant allele, 1 heterozygote.

PreventionGenetics, part of Exact Sciences
Classification: Likely benign for NHLRC1-related condition. Last evaluated: 2019-10-24. Review status: no assertion criteria provided. Collection method: clinical testing. Allele origin: germline. Not counted in ClinVar's aggregate classification.
Comment: This variant is classified as likely benign based on ACMG/AMP sequence variant interpretation guidelines (Richards et al. 2015 PMID: 25741868, with internal and published modifications).

Clinical Genetics DNA and cytogenetics Diagnostics Lab, Erasmus MC, Erasmus Medical Center
Classification: Likely benign. Review status: no assertion criteria provided. Collection method: clinical testing. Allele origin: germline. Affected: yes. Study: VKGL Data-share Consensus. Not counted in ClinVar's aggregate classification.

Genome Diagnostics Laboratory, University Medical Center Utrecht
Classification: Likely benign. Review status: no assertion criteria provided. Collection method: clinical testing. Allele origin: germline. Affected: yes. Study: VKGL Data-share Consensus. Not counted in ClinVar's aggregate classification.

NM_198586.3(NHLRC1):c.32C>A (p.Ala11Glu)

Gene: NHLRC1 (NHL repeat containing E3 ubiquitin protein ligase 1; minus strand). Cytogenetic location: 6p22.3.
Variant type: single nucleotide variant.
Coding change: c.32C>A on transcript NM_198586.3 (MANE Select); coding-DNA position 32, C replaced by A.
Protein change: p.Ala11Glu; replaces alanine 11 with glutamic acid.
Molecular consequence: missense variant.
Genome position (GRCh38, 1-based): chr6:18,122,575, G>T on the plus strand (C>A on the coding strand, the complement: NHLRC1 is on the minus strand). VCF-style: chr6-18122575-G-T. GRCh37 (hg19) VCF-style: chr6-18122806-G-T.
Other names: p.A11E:GCG>GAG; short protein forms A11E.
Identifiers: ClinVar variation 167350 (VCV000167350.66), dbSNP rs139029314, ClinGen allele CA234373.